The following is an entry in ClinVar:

ClinVar aggregate classification (germline): Uncertain significance. Review status: criteria provided, multiple submitters, no conflicts (2 of 4 stars). 2 submissions from 2 submitters: Uncertain significance (2). Last evaluated 2025-08-13.

Conditions:
Primary dilated cardiomyopathy (DCM). Also called: Dilated Cardiomyopathy. Identifiers: Orphanet 217604, MedGen C0007193, MeSH D002311, MONDO:0005021, HP:0001644. Inheritance: Various modes of inheritance.
Cardiovascular phenotype. Identifiers: MedGen CN230736.

Allele frequency attached by ClinVar (database versions not stated): gnomAD exomes below 0.00001; gnomAD 0.00001; TOPMed 0.00001.
gnomAD v4.1: 2 of 1,612,832 alleles (0.00012%); highest among the groups gnomAD compares: Admixed American, 0.0017%; no homozygotes.

Submissions (2):

Ambry Genetics
Classification: Uncertain significance for Cardiovascular phenotype. Last evaluated: 2025-08-13. Review status: criteria provided, single submitter. Criteria: Ambry Variant Classification Scheme 2023. Collection method: clinical testing. Allele origin: germline.

Labcorp Genetics (formerly Invitae), Labcorp
Classification: Uncertain significance for Primary dilated cardiomyopathy. Last evaluated: 2019-02-14. Review status: criteria provided, single submitter. Criteria: Invitae Variant Classification Sherloc (09022015). Collection method: clinical testing. Allele origin: germline.
Comment: In summary, the available evidence is currently insufficient to determine the role of this variant in disease. Therefore, it has been classified as a Variant of Uncertain Significance. Algorithms developed to predict the effect of missense changes on protein structure and function are either unavailable or do not agree on the potential impact of this missense change (SIFT: "Deleterious"; PolyPhen-2: "Possibly Damaging"; Align-GVGD: "Class C0"). This variant has not been reported in the literature in individuals with TXNRD2-related conditions. This variant is not present in population databases (ExAC no frequency). This sequence change replaces serine with proline at codon 386 of the TXNRD2 protein (p.Ser386Pro). The serine residue is highly conserved and there is a moderate physicochemical difference between serine and proline.

NM_006440.5(TXNRD2):c.1156T>C (p.Ser386Pro)

Gene: TXNRD2 (thioredoxin reductase 2; minus strand). Cytogenetic location: 22q11.21.
Variant type: single nucleotide variant.
Coding change: c.1156T>C on transcript NM_006440.5 (MANE Select); coding-DNA position 1156, T replaced by C.
Protein change: p.Ser386Pro; replaces serine 386 with proline.
Molecular consequence: missense variant. On other transcripts: non-coding transcript variant (1).
Genome position (GRCh38, 1-based): chr22:19,880,648, A>G on the plus strand (T>C on the coding strand, the complement: TXNRD2 is on the minus strand). VCF-style: chr22-19880648-A-G. GRCh37 (hg19) VCF-style: chr22-19868171-A-G.
Other names: c.1153T>C, p.Ser385Pro (NM_001352300.2); c.1066T>C, p.Ser356Pro (NM_001352301.2); c.868T>C, p.Ser290Pro (NM_001352302.2); c.1156T>C (NM_006440.3); short protein forms S386P, S290P, S356P, S385P.
Identifiers: ClinVar variation 848999 (VCV000848999.9), dbSNP rs960610186, ClinGen allele CA410681934.